The following is an entry in ClinVar:

NM_001363.5(DKC1):c.1494GAA[4] (p.Lys503_Lys505del)

Gene: DKC1 (dyskerin pseudouridine synthase 1; plus strand). Cytogenetic location: Xq28.
Variant type: Microsatellite.
Coding change: c.1494GAA[4] on transcript NM_001363.5 (MANE Select); four copies in a row of the 3-base unit GAA starting at c.1494; the reference has seven copies in a row; three copies, 9 bases deleted; also written c.1506_1514del.
Protein change: p.Lys503_Lys505del.
Molecular consequence: inframe deletion. On other transcripts: 3 prime UTR variant (1), non-coding transcript variant (3).
Genome position (GRCh38, 1-based): chrX:154,776,828-154,776,836, GAAGAAGAA deleted; deleting any 9 consecutive bases within chrX:154,776,814-154,776,836 gives the same sequence; the position shown is the placement nearest the transcript's 3' end. VCF-style (leftmost placement, unchanged base first): chrX-154776813-CAAGAAGAAG-C. GRCh37 (hg19) VCF-style: chrX-154005088-CAAGAAGAAG-C.
Other names: c.1506_1514del (NM_001363.4); c.1479GAA[4], p.Lys498_Lys500del (NM_001142463.3); c.*720GAA[4] (NM_001288747.2).
Identifiers: ClinVar variation 459582 (VCV000459582.10), dbSNP rs782576893, ClinGen allele CA645248480.

ClinVar aggregate classification (germline): Uncertain significance (1 of 4 stars; one submission).

Conditions:
Dyskeratosis congenita. Identifiers: Orphanet 1775, MedGen C0265965, MONDO:0015780.

Submission:

Labcorp Genetics (formerly Invitae), Labcorp
Classification: Uncertain significance for Dyskeratosis congenita. Last evaluated: 2025-05-02. Review status: criteria provided, single submitter. Criteria: Invitae Variant Classification Sherloc (09022015). Collection method: clinical testing. Allele origin: germline.
Comment: This variant, c.1506_1514del, results in the deletion of 3 amino acid(s) of the DKC1 protein (p.Lys503_Lys505del), but otherwise preserves the integrity of the reading frame. This variant is present in population databases (no rsID available, gnomAD 0.002%). This variant has not been reported in the literature in individuals affected with DKC1-related conditions. ClinVar contains an entry for this variant (Variation ID: 459582). Experimental studies and prediction algorithms are not available or were not evaluated, and the functional significance of this variant is currently unknown. Algorithms developed to predict the effect of sequence changes on RNA splicing suggest that this variant may disrupt the consensus splice site. In summary, the available evidence is currently insufficient to determine the role of this variant in disease. Therefore, it has been classified as a Variant of Uncertain Significance.